The following is an entry in ClinVar:

NM_001040108.2(MLH3):c.1021del (p.Gln341fs)

Gene: MLH3 (mutL homolog 3; minus strand). Cytogenetic location: 14q24.3.
Variant type: Deletion.
Coding change: c.1021del on transcript NM_001040108.2 (MANE Select); coding-DNA position 1021, one base deleted (C; older notation c.1021delC).
Protein change: p.Gln341fs; shifts the reading frame from glutamine 341.
Molecular consequence: frameshift variant.
Genome position (GRCh38, 1-based): chr14:75,048,635, G deleted on the plus strand (C on the coding strand, the reverse complement: MLH3 is on the minus strand). VCF-style (leftmost placement, unchanged base first): chr14-75048634-TG-T. GRCh37 (hg19) VCF-style: chr14-75515337-TG-T.
Other names: c.1021del, p.Gln341fs (NM_014381.3); short protein forms Q341fs.
Identifiers: ClinVar variation 1761191 (VCV001761191.8), dbSNP rs879779919, ClinGen allele CA263653339.

ClinVar aggregate classification (germline): Conflicting classifications of pathogenicity. Review status: criteria provided, conflicting classifications (1 of 4 stars). 3 submissions from 3 submitters: Pathogenic (2); Uncertain significance (1). Last evaluated 2026-06-11.

Conditions:
Colorectal cancer, hereditary nonpolyposis, type 7. Identifiers: Orphanet 144, MedGen C1858380, MONDO:0013725, OMIM 614385.

Allele frequency attached by ClinVar (database versions not stated): gnomAD exomes below 0.00001; gnomAD 0.00001.

Submissions (3):

Ambry Genetics
Classification: Pathogenic. Last evaluated: 2026-06-11. Review status: criteria provided, single submitter. Criteria: Ambry Variant Classification Scheme 2023. Collection method: clinical testing. Allele origin: germline.
Comment: The c.1021delC variant, located in coding exon 1 of the MLH3 gene, results from a deletion of one nucleotide at nucleotide position 1021, causing a translational frameshift with a predicted alternate stop codon (p.Q341Rfs*4). This variant is considered to be rare based on population cohorts in the Genome Aggregation Database (gnomAD). This alteration is expected to result in loss of function by premature protein truncation or nonsense-mediated mRNA decay. As such, this variant is interpreted as a disease-causing mutation.

Myriad Genetics, Inc.
Classification: Pathogenic for Colorectal cancer, hereditary nonpolyposis, type 7. Last evaluated: 2025-12-03. Review status: criteria provided, single submitter. Criteria: Myriad Autosomal Dominant, Autosomal Recessive and X-Linked Classification Criteria (2023). Collection method: clinical testing. Allele origin: unknown.
Comment: This variant is considered pathogenic. This variant creates a frameshift predicted to result in premature protein truncation.

Labcorp Genetics (formerly Invitae), Labcorp
Classification: Uncertain significance for Colorectal cancer, hereditary nonpolyposis, type 7. Last evaluated: 2022-09-15. Review status: criteria provided, single submitter. Criteria: Invitae Variant Classification Sherloc (09022015). Collection method: clinical testing. Allele origin: germline.
Comment: This sequence change creates a premature translational stop signal (p.Gln341Argfs*4) in the MLH3 gene. It is expected to result in an absent or disrupted protein product. However, the current clinical and genetic evidence is not sufficient to establish whether loss-of-function variants in MLH3 cause disease. This variant is not present in population databases (gnomAD no frequency). This variant has not been reported in the literature in individuals affected with MLH3-related conditions. In summary, the available evidence is currently insufficient to determine the role of this variant in disease. Therefore, it has been classified as a Variant of Uncertain Significance.